The following is an entry in ClinVar:

ClinVar aggregate classification (germline): Uncertain significance. Review status: criteria provided, multiple submitters, no conflicts (2 of 4 stars). 2 submissions from 2 submitters: Uncertain significance (2). Last evaluated 2025-03-23.

gnomAD v4.1: 5 of 1,613,994 alleles (0.00031%); highest among the groups gnomAD compares: East Asian, 0.0045%; no homozygotes.

Submissions (2):

Labcorp Genetics (formerly Invitae), Labcorp
Classification: Uncertain significance. Last evaluated: 2025-03-23. Review status: criteria provided, single submitter. Criteria: Invitae Variant Classification Sherloc (09022015). Collection method: clinical testing. Allele origin: germline.
Comment: This sequence change replaces glutamic acid, which is acidic and polar, with alanine, which is neutral and non-polar, at codon 104 of the IMPG1 protein (p.Glu104Ala). This variant is present in population databases (rs760116256, gnomAD 0.01%). This variant has not been reported in the literature in individuals affected with IMPG1-related conditions. An algorithm developed to predict the effect of missense changes on protein structure and function (PolyPhen-2) suggests that this variant is likely to be disruptive. In summary, the available evidence is currently insufficient to determine the role of this variant in disease. Therefore, it has been classified as a Variant of Uncertain Significance.

Blueprint Genetics
Classification: Uncertain significance. Last evaluated: 2022-03-24. Review status: criteria provided, single submitter. Criteria: ACMG Guidelines, 2015. Collection method: clinical testing. Allele origin: germline.

NM_001563.4(IMPG1):c.311A>C (p.Glu104Ala)

Gene: IMPG1 (interphotoreceptor matrix proteoglycan 1; minus strand). Cytogenetic location: 6q14.1.
Variant type: single nucleotide variant.
Coding change: c.311A>C on transcript NM_001563.4 (MANE Select); coding-DNA position 311, A replaced by C.
Protein change: p.Glu104Ala; replaces glutamic acid 104 with alanine.
Molecular consequence: missense variant.
Genome position (GRCh38, 1-based): chr6:76,034,778, T>G on the plus strand (A>C on the coding strand, the complement: IMPG1 is on the minus strand). VCF-style: chr6-76034778-T-G. GRCh37 (hg19) VCF-style: chr6-76744495-T-G.
Other names: c.77A>C, p.Glu26Ala (NM_001282368.2); short protein forms E26A, E104A.
Identifiers: ClinVar variation 4693122 (VCV004693122.2).
Genomic context (GRCh38, chr6:76,034,778, plus strand): 5'-TGATATTCCCCTGTGTCAGGGATGCGATCCAGAAAGATCCGATATGCTTCCCATACTGCT[T>G]CCTGACACACTGTAATACAGAGTCATTAATGGCCATGCCCTAAGAGGGTCCCCGTACCCA-3'
Protein context (NP_001554.2, residues 94-114): QAYYRLRVCQ[Glu104Ala]AVWEAYRIFL